The following is an entry in ClinVar:

NM_001040108.2(MLH3):c.1427T>C (p.Ile476Thr)

Gene: MLH3 (mutL homolog 3; minus strand). Cytogenetic location: 14q24.3.
Variant type: single nucleotide variant.
Coding change: c.1427T>C on transcript NM_001040108.2 (MANE Select); coding-DNA position 1427, T replaced by C.
Protein change: p.Ile476Thr; replaces isoleucine 476 with threonine.
Molecular consequence: missense variant.
Genome position (GRCh38, 1-based): chr14:75,048,229, A>G on the plus strand (T>C on the coding strand, the complement: MLH3 is on the minus strand). VCF-style: chr14-75048229-A-G. GRCh37 (hg19) VCF-style: chr14-75514932-A-G.
Other names: c.1427T>C, p.Ile476Thr (NM_014381.3); short protein forms I476T.
Identifiers: ClinVar variation 410886 (VCV000410886.14), dbSNP rs759144160, ClinGen allele CA7275877.
Genomic context (GRCh38, chr14:75,048,229, plus strand): 5'-GAGCTATGTTCCAGGAAAGATTTTTTATGTTTCTCATTTTCTCCAGCTTCTGATGCTACA[A>G]TTGTCTCTTGTTCTAACATCTTTGATTCTGAGCAAGAGCTGTCTTTGTTTTGTAAAGATG-3'
Protein context (NP_001035197.1, residues 466-486): SESKMLEQET[Ile476Thr]VASEAGENEK

ClinVar aggregate classification (germline): Uncertain significance. Review status: criteria provided, multiple submitters, no conflicts (2 of 4 stars). 3 submissions from 3 submitters: Uncertain significance (3). Last evaluated 2025-05-18.

Conditions:
Colorectal cancer, hereditary nonpolyposis, type 7. Identifiers: Orphanet 144, MedGen C1858380, MONDO:0013725, OMIM 614385.

Allele frequency attached by ClinVar (database versions not stated): ExAC 0.00001; gnomAD 0.00001; gnomAD exomes 0.00001 and 0.00005; TOPMed 0.00002.

Submissions (3):

Ambry Genetics
Classification: Uncertain significance. Last evaluated: 2025-05-18. Review status: criteria provided, single submitter. Criteria: Ambry Variant Classification Scheme 2023. Collection method: clinical testing. Allele origin: germline.

Labcorp Genetics (formerly Invitae), Labcorp
Classification: Uncertain significance for Colorectal cancer, hereditary nonpolyposis, type 7. Last evaluated: 2024-09-18. Review status: criteria provided, single submitter. Criteria: Invitae Variant Classification Sherloc (09022015). Collection method: clinical testing. Allele origin: germline.
Comment: This sequence change replaces isoleucine, which is neutral and non-polar, with threonine, which is neutral and polar, at codon 476 of the MLH3 protein (p.Ile476Thr). This variant is present in population databases (rs759144160, gnomAD 0.004%). This variant has not been reported in the literature in individuals affected with MLH3-related conditions. ClinVar contains an entry for this variant (Variation ID: 410886). An algorithm developed to predict the effect of missense changes on protein structure and function outputs the following: PolyPhen-2: "Benign". The threonine amino acid residue is found in multiple mammalian species, which suggests that this missense change does not adversely affect protein function. In summary, the available evidence is currently insufficient to determine the role of this variant in disease. Therefore, it has been classified as a Variant of Uncertain Significance.

Illumina Laboratory Services, Illumina
Classification: Uncertain significance for Colorectal cancer, hereditary nonpolyposis, type 7. Last evaluated: 2018-01-12. Review status: criteria provided, single submitter. Criteria: ICSL Variant Classification Criteria 13 December 2019. Collection method: clinical testing. Allele origin: germline.